The following is an entry in ClinVar:

ClinVar aggregate classification (germline): Pathogenic/Likely pathogenic. Review status: criteria provided, multiple submitters, no conflicts (2 of 4 stars). 2 submissions from 2 submitters: Pathogenic (1); Likely pathogenic (1). Last evaluated 2023-12-12.

Conditions:
DLL3-related disorder. Also called: DLL3-related condition.

Submissions (2):

Labcorp Genetics (formerly Invitae), Labcorp
Classification: Pathogenic. Last evaluated: 2023-12-12. Review status: criteria provided, single submitter. Criteria: Invitae Variant Classification Sherloc (09022015). Collection method: clinical testing. Allele origin: germline.
Comment: This sequence change creates a premature translational stop signal (p.Gly201Valfs*40) in the DLL3 gene. It is expected to result in an absent or disrupted protein product. Loss-of-function variants in DLL3 are known to be pathogenic (PMID: 12746394). The frequency data for this variant in the population databases is considered unreliable, as metrics indicate poor data quality at this position in the gnomAD database. This premature translational stop signal has been observed in individual(s) with spondylocostal dysostosis (PMID: 12746394). ClinVar contains an entry for this variant (Variation ID: 632312). For these reasons, this variant has been classified as Pathogenic.

Blueprint Genetics
Classification: Likely pathogenic for DLL3-related disorders. Last evaluated: 2022-05-16. Review status: criteria provided, single submitter. Criteria: ACMG Guidelines, 2015. Collection method: clinical testing. Allele origin: germline. Affected: yes. Observed: 2 variant alleles.

Literature cited by the submitters: PubMed 12746394 (cited by Labcorp Genetics (formerly Invitae), Labcorp).

NM_203486.3(DLL3):c.602del (p.Gly201fs)

Genes: DLL3 (delta like canonical Notch ligand 3; plus strand), LOC130064417 (ATAC-STARR-seq lymphoblastoid silent region 10608; plus strand). Cytogenetic location: 19q13.2.
Variant type: Deletion.
Coding change: c.602del on transcript NM_203486.3 (MANE Select); coding-DNA position 602, one base deleted (G; older notation c.602delG).
Protein change: p.Gly201fs; shifts the reading frame from glycine 201.
Molecular consequence: frameshift variant.
Genome position (GRCh38, 1-based): chr19:39,503,007, G deleted; the last of 2 consecutive G bases (chr19:39,503,006-39,503,007); deleting either gives the same sequence. VCF-style (leftmost placement, unchanged base first): chr19-39503005-CG-C. GRCh37 (hg19) VCF-style: chr19-39993645-CG-C.
Other names: c.602del, p.Gly201fs (NM_016941.4); short protein forms G201fs.
Identifiers: ClinVar variation 632312 (VCV000632312.14), dbSNP rs1293908408, ClinGen allele CA633132565.